The following is an entry in ClinVar:

ClinVar aggregate classification (germline): Benign (1 of 4 stars; one submission).

gnomAD v4.1: 14,316 of 1,614,156 alleles (0.89%); highest among the groups gnomAD compares: Non-Finnish European, 1.1%; 78 homozygotes.

Submissions (3):

CeGaT Center for Human Genetics Tuebingen
Classification: Benign. Last evaluated: 2026-04-01. Review status: criteria provided, single submitter. Criteria: CeGaT Center For Human Genetics Tuebingen Variant Classification Criteria Version 2. Collection method: clinical testing. Allele origin: germline. Affected: yes. Observed: 7 variant alleles.
Comment: CCR9: BP4, BS1, BS2

Dr. Peter K. Rogan Lab, Western University
No classification provided (evidence only). Condition: Acute myeloid leukemia. Review status: no classification provided. Collection method: in vitro. Allele origin: not applicable. Functional consequence: retained intron. Not counted in ClinVar's aggregate classification.

Dr. Peter K. Rogan Lab, Western University
No classification provided (evidence only). Condition: Malignant tumor of esophagus. Review status: no classification provided. Collection method: in vitro. Allele origin: not applicable. Functional consequence: retained intron. Not counted in ClinVar's aggregate classification.

NM_031200.3(CCR9):c.274A>G (p.Ile92Val)

Genes: CCR9 (C-C motif chemokine receptor 9; plus strand), LZTFL1 (leucine zipper transcription factor like 1; minus strand). Cytogenetic location: 3p21.31.
Variant type: single nucleotide variant.
Coding change: c.274A>G on transcript NM_031200.3 (MANE Select); coding-DNA position 274, A replaced by G.
Protein change: p.Ile92Val; replaces isoleucine 92 with valine.
Molecular consequence: missense variant. On other transcripts: intron variant (8).
Genome position (GRCh38, 1-based): chr3:45,901,062, A>G. VCF-style: chr3-45901062-A-G. GRCh37 (hg19) VCF-style: chr3-45942554-A-G.
Other names: NC_000003.11:g.45942554A>G; c.238A>G, p.Ile80Val (NM_001256369.2, NM_006641.4); c.274A>G, p.Ile92Val (NM_001386447.1, NM_001386448.1); c.27+12058T>C (NM_001405925.1, NM_001405920.1, NM_001276379.2 and 1 more transcripts); c.-138+12058T>C (NM_001405927.1, NM_001276378.2); c.-177+12058T>C (NM_001405926.1, NM_001405923.1); short protein forms I80V, I92V.
Identifiers: ClinVar variation 3770410 (VCV003770410.14).